The following is an entry in ClinVar:

ClinVar aggregate classification (germline): Uncertain significance (1 of 4 stars; one submission).

Allele frequency attached by ClinVar (database versions not stated): gnomAD exomes below 0.00001; TOPMed below 0.00001.
gnomAD v4.1: 1 of 1,606,728 alleles (0.000062%); highest among the groups gnomAD compares: Non-Finnish European, 0.000085%; no homozygotes.

Submission:

Labcorp Genetics (formerly Invitae), Labcorp
Classification: Uncertain significance. Last evaluated: 2026-01-11. Review status: criteria provided, single submitter. Criteria: Invitae Variant Classification Sherloc (09022015). Collection method: clinical testing. Allele origin: germline.
Comment: This sequence change replaces serine, which is neutral and polar, with glycine, which is neutral and non-polar, at codon 303 of the GATAD2B protein (p.Ser303Gly). This variant is present in population databases (no rsID available, gnomAD 0.0009%). This variant has not been reported in the literature in individuals affected with GATAD2B-related conditions. ClinVar contains an entry for this variant (Variation ID: 2986968). Invitae Evidence Modeling of protein sequence and biophysical properties (such as structural, functional, and spatial information, amino acid conservation, physicochemical variation, residue mobility, and thermodynamic stability) indicates that this missense variant is not expected to disrupt GATAD2B protein function with a negative predictive value of 80%. In summary, the available evidence is currently insufficient to determine the role of this variant in disease. Therefore, it has been classified as a Variant of Uncertain Significance.

NM_020699.4(GATAD2B):c.907A>G (p.Ser303Gly)

Gene: GATAD2B (GATA zinc finger domain containing 2B; minus strand). Cytogenetic location: 1q21.3.
Variant type: single nucleotide variant.
Coding change: c.907A>G on transcript NM_020699.4 (MANE Select); coding-DNA position 907, A replaced by G.
Protein change: p.Ser303Gly; replaces serine 303 with glycine.
Molecular consequence: missense variant.
Genome position (GRCh38, 1-based): chr1:153,816,582, T>C on the plus strand (A>G on the coding strand, the complement: GATAD2B is on the minus strand). VCF-style: chr1-153816582-T-C. GRCh37 (hg19) VCF-style: chr1-153789058-T-C.
Other names: short protein forms S303G.
Identifiers: ClinVar variation 2986968 (VCV002986968.3), dbSNP rs1391778013, ClinGen allele CA342528356.